The following is an entry in ClinVar:

NM_001374736.1(DST):c.19332T>C (p.Asp6444=)

Gene: DST (dystonin; minus strand). Cytogenetic location: 6p12.1.
Variant type: single nucleotide variant.
Coding change: c.19332T>C on transcript NM_001374736.1 (MANE Select); coding-DNA position 19332, T replaced by C.
Protein change: p.Asp6444=; no amino-acid change (aspartic acid 6444 retained).
Molecular consequence: synonymous variant.
Genome position (GRCh38, 1-based): chr6:56,506,697, A>G on the plus strand (T>C on the coding strand, the complement: DST is on the minus strand). VCF-style: chr6-56506697-A-G. GRCh37 (hg19) VCF-style: chr6-56371495-A-G.
Other names: c.12975T>C, p.Asp4325= (NM_001144769.5); c.12561T>C, p.Asp4187= (NM_001144770.2); c.19332T>C, p.Asp6444= (NM_001374722.1); c.18372T>C, p.Asp6124= (NM_001374729.1); c.12114T>C, p.Asp4038= (NM_001374730.1); c.19359T>C, p.Asp6453= (NM_001374734.1); c.12441T>C, p.Asp4147= (NM_001386100.1, NM_183380.4); c.11463T>C, p.Asp3821= (NM_015548.5); and 1 more.
Identifiers: ClinVar variation 1101457 (VCV001101457.10), dbSNP rs371657329, ClinGen allele CA3867033.

ClinVar aggregate classification (germline): Likely benign. Review status: criteria provided, multiple submitters, no conflicts (2 of 4 stars). 2 submissions from 2 submitters: Likely benign (2). Last evaluated 2025-12-09.

Conditions:
DST-related disorder. Also called: DST-related condition; DST-related disorders.
Epidermolysis bullosa simplex 3, localized or generalized intermediate, with BP230 deficiency (EBS3). Also called: Epidermolysis bullosa simplex, autosomal recessive 2; Epidermolysis bullosa simplex due to BP230 deficiency. Identifiers: Orphanet 412181, MedGen C3809470, MONDO:0014180, OMIM 615425.
Hereditary sensory and autonomic neuropathy type 6. Also called: Neuropathy, hereditary sensory and autonomic, type VI; HSAN VI. Identifiers: Orphanet 314381, MedGen C3539003, MONDO:0013839, OMIM 614653.

Allele frequency attached by ClinVar (database versions not stated): gnomAD 0.00002 and 0.00003; ExAC 0.00003; gnomAD exomes 0.00005; TOPMed 0.00005; ESP Exome Variant Server 0.00017.
gnomAD v4.1: 24 of 1,613,552 alleles (0.0015%); highest among the groups gnomAD compares: Admixed American, 0.027%; no homozygotes.

Submissions (2):

PreventionGenetics, part of Exact Sciences
Classification: Likely benign for DST-related condition. Last evaluated: 2025-12-09. Review status: criteria provided, single submitter. Criteria: ACMG Guidelines, 2015. Collection method: clinical testing. Allele origin: germline.
Comment: This variant is classified as likely benign based on ACMG/AMP sequence variant interpretation guidelines (Richards et al. 2015 PMID: 25741868, with internal and published modifications).

Labcorp Genetics (formerly Invitae), Labcorp
Classification: Likely benign for Epidermolysis bullosa simplex 3, localized or generalized intermediate, with BP230 deficiency; Hereditary sensory and autonomic neuropathy type 6. Last evaluated: 2025-02-11. Review status: criteria provided, single submitter. Criteria: Invitae Variant Classification Sherloc (09022015). Collection method: clinical testing. Allele origin: germline.